The following is an entry in ClinVar:

ClinVar aggregate classification (germline): Benign. Review status: criteria provided, multiple submitters, no conflicts (2 of 4 stars). 2 submissions from 2 submitters: Benign (2). Last evaluated 2018-01-13.

Conditions:
Charcot-Marie-Tooth disease type 4B1. Also called: CHARCOT-MARIE-TOOTH DISEASE, AUTOSOMAL RECESSIVE, WITH FOCALLY FOLDED MYELIN SHEATHS, AUTOSOMAL RECESSIVE, TYPE 4B1; CHARCOT-MARIE-TOOTH DISEASE, TYPE 4B; Charcot-Marie-Tooth Neuropathy Type 4B1; CHARCOT-MARIE-TOOTH DISEASE, DEMYELINATING, TYPE 4B1. Identifiers: Orphanet 99955, MedGen C1832399, MONDO:0011066, OMIM 601382.

Allele frequency attached by ClinVar (database versions not stated): 1000 Genomes Project 0.06909; 1000 Genomes Project 30x 0.06964; TOPMed 0.07100; gnomAD 0.07235 and 0.07419; gnomAD exomes 0.10233.
gnomAD v4.1: 11,011 of 152,560 alleles (7.2%); highest among the groups gnomAD compares: Middle Eastern, 13%; 521 homozygotes.

Submissions (2):

Illumina Laboratory Services, Illumina
Classification: Benign for Charcot-Marie-Tooth disease type 4B1. Last evaluated: 2018-01-13. Review status: criteria provided, single submitter. Criteria: ICSL Variant Classification Criteria 13 December 2019. Collection method: clinical testing. Allele origin: germline.
Comment: This variant was observed in the ICSL laboratory as part of a predisposition screen in an ostensibly healthy population. It had not been previously curated by ICSL or reported in the Human Gene Mutation Database (HGMD: prior to June 1st, 2018), and was therefore a candidate for classification through an automated scoring system. Utilizing variant allele frequency, disease prevalence and penetrance estimates, and inheritance mode, an automated score was calculated to assess if this variant is too frequent to cause the disease. Based on the score and internal cut-off values, a variant classified as benign is not then subjected to further curation. The score for this variant resulted in a classification of benign for this disease.

Breakthrough Genomics
Classification: Benign. Review status: criteria provided, single submitter. Criteria: ACMG Guidelines, 2015. Collection method: not provided. Allele origin: germline. Inheritance: Autosomal recessive inheritance. Affected: yes.

NM_016156.6(MTMR2):c.*1066T>C

Gene: MTMR2 (myotubularin related protein 2; minus strand). Cytogenetic location: 11q21.
Variant type: single nucleotide variant.
Coding change: c.*1066T>C on transcript NM_016156.6 (MANE Select); 1066 bases downstream of the stop codon, T replaced by C.
Molecular consequence: 3 prime UTR variant.
Genome position (GRCh38, 1-based): chr11:95,834,224, A>G on the plus strand (T>C on the coding strand, the complement: MTMR2 is on the minus strand). VCF-style: chr11-95834224-A-G. GRCh37 (hg19) VCF-style: chr11-95567388-A-G.
Other names: c.*1066T>C (NM_001243571.2, NM_201278.3, NM_201281.3).
Identifiers: ClinVar variation 306521 (VCV000306521.6), dbSNP rs16922622, ClinGen allele CA10631757.
Genomic context (GRCh38, chr11:95,834,224, plus strand): 5'-ACATATGGCTCTTATGTAGAATAAAATAGACATCAGAGTCAAATGTTTCTACCAGCACCA[A>G]ACTCTTACTTGTAGCAGGTGAACAGTGAAGCAAGATTTCTTTTACTGGCTTTGAGATTGT-3'